The following is an entry in ClinVar:

NM_005883.3(APC2):c.4416C>T (p.Pro1472=)

Gene: APC2 (APC regulator of Wnt signaling pathway 2; plus strand). Cytogenetic location: 19p13.3.
Variant type: single nucleotide variant.
Coding change: c.4416C>T on transcript NM_005883.3 (MANE Select); coding-DNA position 4416, C replaced by T.
Protein change: p.Pro1472=; no amino-acid change (proline 1472 retained).
Molecular consequence: synonymous variant.
Genome position (GRCh38, 1-based): chr19:1,467,717, C>T. VCF-style: chr19-1467717-C-T. GRCh37 (hg19) VCF-style: chr19-1467716-C-T.
Other names: c.4413C>T, p.Pro1471= (NM_001351273.1).
Identifiers: ClinVar variation 3026224 (VCV003026224.22), dbSNP rs2084045051, ClinGen allele CA504897715.
Genomic context (GRCh38, chr19:1,467,717, plus strand): 5'-GGAGCAGTCTCGGGGCGCGGGCAAGAACAGAGCAGGGCTGGAGCTGCCCCTGGGCCGGCC[C>T]CCGAGCGCCCCCGCAGACAAGGACGGCTCAAAGCCCGGCCGGACCCGCGGGGACGGGGCG-3'
Protein context (NP_005874.1, residues 1462-1482): RAGLELPLGR[Pro1472=]PSAPADKDGS

ClinVar aggregate classification (germline): Likely benign (1 of 4 stars; one submission).

Allele frequency attached by ClinVar (database versions not stated): TOPMed below 0.00001; gnomAD 0.00001; gnomAD exomes 0.00002.
gnomAD v4.1: 33 of 1,437,030 alleles (0.0023%); highest among the groups gnomAD compares: Non-Finnish European, 0.0026%; no homozygotes.

Submission:

CeGaT Center for Human Genetics Tuebingen
Classification: Likely benign. Last evaluated: 2024-01-01. Review status: criteria provided, single submitter. Criteria: CeGaT Center For Human Genetics Tuebingen Variant Classification Criteria Version 2. Collection method: clinical testing. Allele origin: germline. Affected: yes. Observed: 1 variant allele.
Comment: APC2: BP4, BP7